The following is an entry in ClinVar:

ClinVar aggregate classification (germline): Uncertain significance. Review status: criteria provided, multiple submitters, no conflicts (2 of 4 stars). 3 submissions from 3 submitters: Uncertain significance (3). Last evaluated 2024-05-13.

Conditions:
Hereditary cancer-predisposing syndrome. Also called: Neoplastic Syndromes, Hereditary; Hereditary Cancer Syndrome; Tumor predisposition; Hereditary neoplastic syndrome. Identifiers: Orphanet 140162, MedGen C0027672, MeSH D009386, MONDO:0015356.
Hereditary breast ovarian cancer syndrome. Also called: Hereditary breast and ovarian cancer syndrome; Hereditary breast and ovarian cancer; Hereditary breast and ovarian cancer syndrome (HBOC); Hereditary breast and/or ovarian cancer syndrome; Breast and ovarian cancer; BRCA1- and BRCA2-Associated Hereditary Breast and Ovarian Cancer. Identifiers: Orphanet 145, MedGen C0677776, MeSH D061325, MONDO:0003582. Disease mechanism: loss of function.
Breast-ovarian cancer, familial, susceptibility to, 2 (BROVCA2). Also called: BRCA2 Hereditary Breast and Ovarian Cancer. Identifiers: Orphanet 145, MedGen C2675520, MONDO:0012933, OMIM 612555. Disease mechanism: loss of function.

Submissions (3):

Labcorp Genetics (formerly Invitae), Labcorp
Classification: Uncertain significance for Hereditary breast ovarian cancer syndrome. Last evaluated: 2024-05-13. Review status: criteria provided, single submitter. Criteria: Invitae Variant Classification Sherloc (09022015). Collection method: clinical testing. Allele origin: germline.
Comment: This sequence change replaces proline, which is neutral and non-polar, with arginine, which is basic and polar, at codon 202 of the BRCA2 protein (p.Pro202Arg). This variant is not present in population databases (gnomAD no frequency). This variant has not been reported in the literature in individuals affected with BRCA2-related conditions. ClinVar contains an entry for this variant (Variation ID: 1470867). Advanced modeling of protein sequence and biophysical properties (such as structural, functional, and spatial information, amino acid conservation, physicochemical variation, residue mobility, and thermodynamic stability) performed at Invitae indicates that this missense variant is not expected to disrupt BRCA2 protein function with a negative predictive value of 95%. In summary, the available evidence is currently insufficient to determine the role of this variant in disease. Therefore, it has been classified as a Variant of Uncertain Significance.

All of Us Research Program, National Institutes of Health
Classification: Uncertain significance for Breast-ovarian cancer, familial, susceptibility to, 2. Last evaluated: 2024-01-11. Review status: criteria provided, single submitter. Criteria: ACMG Guidelines, 2015. Collection method: clinical testing. Allele origin: germline. Inheritance: Autosomal dominant inheritance. Observed: 1 variant allele, 1 heterozygote.
Comment: This study involves interpretation of variants in research participants for the purpose of population health screening. Participant phenotype was not available at the time of variant classification. Additional details can be found in publication PMID: 35346344, PMCID: PMC8962531

Ambry Genetics
Classification: Uncertain significance for Hereditary cancer-predisposing syndrome. Last evaluated: 2020-04-07. Review status: criteria provided, single submitter. Criteria: Ambry Variant Classification Scheme 2023. Collection method: clinical testing. Allele origin: germline.
Comment: The p.P202R variant (also known as c.605C>G), located in coding exon 6 of the BRCA2 gene, results from a C to G substitution at nucleotide position 605. The proline at codon 202 is replaced by arginine, an amino acid with dissimilar properties. This amino acid position is highly conserved in available vertebrate species. In addition, the in silico prediction for this alteration is inconclusive. Since supporting evidence is limited at this time, the clinical significance of this alteration remains unclear.

NM_000059.4(BRCA2):c.605C>G (p.Pro202Arg)

Gene: BRCA2 (BRCA2 DNA repair associated; plus strand). Cytogenetic location: 13q13.1.
Variant type: single nucleotide variant.
Coding change: c.605C>G on transcript NM_000059.4 (MANE Select); coding-DNA position 605, C replaced by G.
Protein change: p.Pro202Arg; replaces proline 202 with arginine.
Molecular consequence: missense variant.
Genome position (GRCh38, 1-based): chr13:32,326,587, C>G. VCF-style: chr13-32326587-C-G. GRCh37 (hg19) VCF-style: chr13-32900724-C-G.
Other names: short protein forms P202R.
Identifiers: ClinVar variation 1470867 (VCV001470867.9), dbSNP rs1064793699, ClinGen allele CA387758238.